The following is an entry in ClinVar:

NM_002180.3(IGHMBP2):c.1183T>C (p.Cys395Arg)

Gene: IGHMBP2 (immunoglobulin mu DNA binding protein 2; plus strand). Cytogenetic location: 11q13.3.
Variant type: single nucleotide variant.
Coding change: c.1183T>C on transcript NM_002180.3 (MANE Select); coding-DNA position 1183, T replaced by C.
Protein change: p.Cys395Arg; replaces cysteine 395 with arginine.
Molecular consequence: missense variant.
Genome position (GRCh38, 1-based): chr11:68,929,305, T>C. VCF-style: chr11-68929305-T-C. GRCh37 (hg19) VCF-style: chr11-68696773-T-C.
Other names: short protein forms C395R.
Identifiers: ClinVar variation 637274 (VCV000637274.6), dbSNP rs1347461335, ClinGen allele CA381647714.
Genomic context (GRCh38, chr11:68,929,305, plus strand): 5'-GACGAGTGTGCCCAGGCCCTCGAGGCGAGCTGCTGGATCCCCCTGCTGAAGGCCAGAAAG[T>C]GCATCCTGGCGGGCGATCACAAGCAGCTGCCCCCCACCACAGTCTCTCACAAGTAAGACC-3'
Protein context (NP_002171.2, residues 385-405): CWIPLLKARK[Cys395Arg]ILAGDHKQLP

ClinVar aggregate classification (germline): Conflicting classifications of pathogenicity. Review status: criteria provided, conflicting classifications (1 of 4 stars). 5 submissions from 5 submitters: Pathogenic (2); Likely pathogenic (1); Uncertain significance (1). 1 of the submissions does not count toward it. Last evaluated 2026-03-10.

Conditions:
Inborn genetic diseases. Identifiers: MedGen C0950123, MeSH D030342.
Autosomal recessive distal spinal muscular atrophy 1. Also called: Spinal muscular atrophy with respiratory distress 1; HMN VI; NEURONOPATHY, SEVERE INFANTILE AXONAL, WITH RESPIRATORY FAILURE; SEVERE INFANTILE AXONAL NEUROPATHY WITH RESPIRATORY FAILURE; SPINAL MUSCULAR ATROPHY, DIAPHRAGMATIC; NEURONOPATHY, DISTAL HEREDITARY MOTOR, HARDING TYPE VI. Identifiers: Orphanet 98920, MedGen C1858517, MONDO:0011436, OMIM 604320.
Charcot-Marie-Tooth disease axonal type 2S. Also called: CHARCOT-MARIE-TOOTH DISEASE, AXONAL, AUTOSOMAL RECESSIVE, TYPE 2S; CHARCOT-MARIE-TOOTH NEUROPATHY, TYPE 2S. Identifiers: Orphanet 443073, MedGen C4015349, MONDO:0014511, OMIM 616155.
Neuronopathy, distal hereditary motor, autosomal dominant. Also called: Autosomal dominant distal hereditary motor neuropathy. Identifiers: Orphanet 140465, MedGen C5548212, MONDO:0015362.

Allele frequency attached by ClinVar (database versions not stated): TOPMed below 0.00001; gnomAD 0.00001; gnomAD exomes 0.00001.
gnomAD v4.1: 7 of 1,613,684 alleles (0.00043%); highest among the groups gnomAD compares: Non-Finnish European, 0.00059%; no homozygotes.

Submissions (5):

Institute of Human Genetics, University of Leipzig Medical Center
Classification: Likely pathogenic for Autosomal recessive distal spinal muscular atrophy 1. Last evaluated: 2026-03-10. Review status: criteria provided, single submitter. Criteria: ACMG Guidelines, 2015. Collection method: clinical testing. Allele origin: maternal. Inheritance: Autosomal recessive inheritance. Affected: yes.
Comment: Criteria applied: PM2,PM3_STR,PP3

Labcorp Genetics (formerly Invitae), Labcorp
Classification: Pathogenic for Autosomal recessive distal spinal muscular atrophy 1; Charcot-Marie-Tooth disease axonal type 2S. Last evaluated: 2024-04-24. Review status: criteria provided, single submitter. Criteria: Invitae Variant Classification Sherloc (09022015). Collection method: clinical testing. Allele origin: germline.
Comment: This sequence change replaces cysteine, which is neutral and slightly polar, with arginine, which is basic and polar, at codon 395 of the IGHMBP2 protein (p.Cys395Arg). This variant is present in population databases (no rsID available, gnomAD 0.002%). This missense change has been observed in individual(s) with spinal muscular atrophy with respiratory distress 1 (PMID: 23566544). In at least one individual the data is consistent with being in trans (on the opposite chromosome) from a pathogenic variant. ClinVar contains an entry for this variant (Variation ID: 637274). Advanced modeling of protein sequence and biophysical properties (such as structural, functional, and spatial information, amino acid conservation, physicochemical variation, residue mobility, and thermodynamic stability) performed at Invitae indicates that this missense variant is expected to disrupt IGHMBP2 protein function with a positive predictive value of 80%. For these reasons, this variant has been classified as Pathogenic.

Ambry Genetics
Classification: Uncertain significance for Inborn genetic diseases. Last evaluated: 2022-08-15. Review status: criteria provided, single submitter. Criteria: Ambry Variant Classification Scheme 2023. Collection method: clinical testing. Allele origin: germline.
Comment: The p.C395R variant (also known as c.1183T>C), located in coding exon 8 of the IGHMBP2 gene, results from a T to C substitution at nucleotide position 1183. The cysteine at codon 395 is replaced by arginine, an amino acid with highly dissimilar properties. This alteration has been detected in two individuals with a spinal muscular atrophy with respiratory distress (SMARD1) phenotype with a second IGHMBP2 alteration; however, phase information was not provided (Stalpers XL et al. Neuromuscul Disord, 2013 Jun;23:461-8). This amino acid position is highly conserved in available vertebrate species. In addition, this alteration is predicted to be deleterious by in silico analysis. Since supporting evidence is limited at this time, the clinical significance of this alteration remains unclear.

Mendelics
Classification: Pathogenic for Autosomal recessive distal spinal muscular atrophy 1. Last evaluated: 2022-05-04. Review status: criteria provided, single submitter. Criteria: Mendelics Assertion Criteria 2019. Collection method: clinical testing. Allele origin: germline.

Inherited Neuropathy Consortium
Classification: Uncertain significance for Autosomal dominant distal hereditary motor neuropathy. Review status: no assertion criteria provided. Collection method: literature only. Allele origin: germline. Affected: yes. Not counted in ClinVar's aggregate classification.

Literature cited by the submitters: PubMed 23566544 (cited by 3 submitters).